The following is an entry in ClinVar:

ClinVar aggregate classification (germline): Uncertain significance (1 of 4 stars; one submission).

Submission:

Labcorp Genetics (formerly Invitae), Labcorp
Classification: Uncertain significance. Last evaluated: 2023-06-27. Review status: criteria provided, single submitter. Criteria: Invitae Variant Classification Sherloc (09022015). Collection method: clinical testing. Allele origin: germline.
Comment: In summary, the available evidence is currently insufficient to determine the role of this variant in disease. Therefore, it has been classified as a Variant of Uncertain Significance. Advanced modeling of protein sequence and biophysical properties (such as structural, functional, and spatial information, amino acid conservation, physicochemical variation, residue mobility, and thermodynamic stability) performed at Invitae indicates that this missense variant is not expected to disrupt MTOR protein function. This variant has not been reported in the literature in individuals affected with MTOR-related conditions. This variant is not present in population databases (gnomAD no frequency). This sequence change replaces arginine, which is basic and polar, with histidine, which is basic and polar, at codon 672 of the MTOR protein (p.Arg672His).

NM_004958.4(MTOR):c.2015G>A (p.Arg672His)

Gene: MTOR (mechanistic target of rapamycin kinase; minus strand). Cytogenetic location: 1p36.22.
Variant type: single nucleotide variant.
Coding change: c.2015G>A on transcript NM_004958.4 (MANE Select); coding-DNA position 2015, G replaced by A.
Protein change: p.Arg672His; replaces arginine 672 with histidine.
Molecular consequence: missense variant.
Genome position (GRCh38, 1-based): chr1:11,238,036, C>T on the plus strand (G>A on the coding strand, the complement: MTOR is on the minus strand). VCF-style: chr1-11238036-C-T. GRCh37 (hg19) VCF-style: chr1-11298093-C-T.
Other names: c.2015G>A, p.Arg672His (NM_001386500.1); c.767G>A, p.Arg256His (NM_001386501.1); short protein forms R672H, R256H.
Identifiers: ClinVar variation 2797179 (VCV002797179.3), dbSNP rs2100899216, ClinGen allele CA338388327.
Genomic context (GRCh38, chr1:11,238,036, plus strand): 5'-TTCTCCGCCTGGGCCAGGTGTGCATCAAAGCGCTCGTCCAGGGACGCCAAGACACAGTAG[C>T]GAATGTCAGGGTCTGCAAGAGCAATGGAGCCTTTGAACATTTCCTCATGATCCCATCACT-3'
Protein context (NP_004949.1, residues 662-682): VGITDPDPDI[Arg672His]YCVLASLDER